The following is an entry in ClinVar:

ClinVar aggregate classification (germline): Uncertain significance (1 of 4 stars; one submission).

Conditions:
Familial cancer of breast. Also called: hereditary breast carcinoma; Hereditary breast cancer; BREAST CANCER, FAMILIAL. Identifiers: Orphanet 227535, MedGen C0346153, MONDO:0016419, OMIM 114480. Disease mechanism: loss of function.

Submission:

Labcorp Genetics (formerly Invitae), Labcorp
Classification: Uncertain significance for Familial cancer of breast. Last evaluated: 2021-07-27. Review status: criteria provided, single submitter. Criteria: Invitae Variant Classification Sherloc (09022015). Collection method: clinical testing. Allele origin: germline.
Comment: This sequence change falls in intron 10 of the CHEK2 gene. It does not directly change the encoded amino acid sequence of the CHEK2 protein. It affects a nucleotide within the consensus splice site of the intron. In summary, the available evidence is currently insufficient to determine the role of this variant in disease. Therefore, it has been classified as a Variant of Uncertain Significance. Nucleotide substitutions within the consensus splice site are a relatively common cause of aberrant splicing (PMID: 17576681, 9536098). Algorithms developed to predict the effect of sequence changes on RNA splicing suggest that this variant may disrupt the consensus splice site. This variant has not been reported in the literature in individuals affected with CHEK2-related conditions. This variant is not present in population databases (ExAC no frequency).

Literature cited by the submitters: PubMed 17576681; PubMed 9536098.

NM_007194.4(CHEK2):c.1095+3A>G

Gene: CHEK2 (checkpoint kinase 2; minus strand). Cytogenetic location: 22q12.1.
Variant type: single nucleotide variant.
Coding change: c.1095+3A>G on transcript NM_007194.4 (MANE Select); 3 bases into the intron after coding-DNA position 1095, A replaced by G.
Molecular consequence: intron variant.
Genome position (GRCh38, 1-based): chr22:28,696,898, T>C on the plus strand (A>G on the coding strand, the complement: CHEK2 is on the minus strand). VCF-style: chr22-28696898-T-C. GRCh37 (hg19) VCF-style: chr22-29092886-T-C.
Other names: c.432+3A>G (NM_001437942.1, NM_001257387.3); c.894+3A>G (NM_001349956.3); c.1009-1025A>G (NM_145862.3); c.1102-1025A>G (NM_001438295.1); c.1188+3A>G (NM_001438293.1); c.1138-1025A>G (NM_001438294.1); c.1224+3A>G (NM_001005735.3).
Identifiers: ClinVar variation 1370244 (VCV001370244.7), dbSNP rs1601726484, ClinGen allele CA2573157994.